The following is an entry in ClinVar:

ClinVar aggregate classification (germline): Likely pathogenic. Review status: reviewed by expert panel (3 of 4 stars). 2 submissions from 2 submitters: Likely pathogenic (1). 1 of the submissions does not count toward it. Last evaluated 2026-04-21.

Conditions:
Malignant hyperthermia, susceptibility to, 1 (MHS1). Also called: Malignant hyperthermia suceptibility 1; RYR1-Related Malignant Hyperthermia Susceptibility; Anesthesia related hyperthermia; Malignant hyperpyrexia; Fulminating hyperpyrexia; Pharmacogenic myopathy. Identifiers: Orphanet 423, MedGen C2930980, MONDO:0007783, OMIM 145600.

Submissions (2):

ClinGen Malignant Hyperthermia Susceptibility Variant Curation Expert Panel, ClinGen
Classification: Likely pathogenic for Malignant hyperthermia, susceptibility to, 1. Last evaluated: 2026-04-21. Review status: reviewed by expert panel. Criteria: ClinGen MHS ACMG Specifications V2. Collection method: curation. Allele origin: germline. Inheritance: Autosomal dominant inheritance. Study: ClinGen.
Comment: This pathogenicity assessment is relevant only for malignant hyperthermia susceptibility (MHS) inherited in an autosomal dominant pattern. Variants in RYR1 can also cause other myopathies inherited in an autosomal dominant pattern or in an autosomal recessive pattern. Some of these disorders may predispose individuals to malignant hyperthermia. RYR1 variants may also contribute to a malignant hyperthermia reaction in combination with other genetic and non-genetic factors and the clinician needs to consider such factors in making management decisions. This sequence variant predicts a substitution of alanine with aspartic acid at codon 152 of the RYR1 protein, p.(Ala152Asp). This variant was not present in a large population database (gnomAD) at the time this variant was interpreted. This variant has been reported in two individuals with a personal or family history of an MH episode and positive in vitro contracture test (IVCT) or caffeine halothane contracture test (CHCT) results (if the proband was unavailable for testing, a positive diagnostic test result in a mutation-positive relative was counted), PS4_Moderate (PMID:30236257, PMID:41153347). No functional studies were identified for this variant. This variant resides in a region of RYR1 considered to be a hotspot for pathogenic variants that contribute to MHS, PM1 (PMID: 21118704). A REVEL score >0.85 (0.9) supports a pathogenic status for this variant, PP3_Moderate. This variant has been classified as Likely Pathogenic. Criteria implemented: PS4_Moderate, PM1, PP3_Moderate.

Athena Diagnostics
Classification: Uncertain significance. Last evaluated: 2017-06-16. Review status: criteria provided, single submitter. Criteria: Athena Diagnostics Criteria. Collection method: clinical testing. Allele origin: germline. Not counted in ClinVar's aggregate classification.

NM_000540.3(RYR1):c.455C>A (p.Ala152Asp)

Gene: RYR1 (ryanodine receptor 1; plus strand). Cytogenetic location: 19q13.2.
Variant type: single nucleotide variant.
Coding change: c.455C>A on transcript NM_000540.3 (MANE Select); coding-DNA position 455, C replaced by A.
Protein change: p.Ala152Asp; replaces alanine 152 with aspartic acid.
Molecular consequence: missense variant.
Genome position (GRCh38, 1-based): chr19:38,444,179, C>A. VCF-style: chr19-38444179-C-A. GRCh37 (hg19) VCF-style: chr19-38934819-C-A.
Other names: NM_000540.2(RYR1):c.455C>A; c.455C>A, p.Ala152Asp (NM_001042723.2); short protein forms A152D.
Identifiers: ClinVar variation 448182 (VCV000448182.5), dbSNP rs1555763641, ClinGen allele CA405676716.